The following is an entry in ClinVar:

NM_020442.6(VARS2):c.2924C>T (p.Pro975Leu)

Gene: VARS2 (valyl-tRNA synthetase 2, mitochondrial; plus strand). Cytogenetic location: 6p21.33.
Variant type: single nucleotide variant.
Coding change: c.2924C>T on transcript NM_020442.6 (MANE Select); coding-DNA position 2924, C replaced by T.
Protein change: p.Pro975Leu; replaces proline 975 with leucine.
Molecular consequence: missense variant.
Genome position (GRCh38, 1-based): chr6:30,925,682, C>T. VCF-style: chr6-30925682-C-T. GRCh37 (hg19) VCF-style: chr6-30893459-C-T.
Other names: p.Pro1005Leu; c.2504C>T, p.Pro835Leu (NM_001167733.3); c.3014C>T, p.Pro1005Leu (NM_001167734.2); short protein forms P1005L, P835L, P975L.
Identifiers: ClinVar variation 3379640 (VCV003379640.1).

ClinVar aggregate classification (germline): Uncertain significance (1 of 4 stars; one submission).

gnomAD v4.1: 123 of 1,610,842 alleles (0.0076%); highest among the groups gnomAD compares: Non-Finnish European, 0.0098%; no homozygotes.

Submission:

Mayo Clinic Laboratories, Mayo Clinic
Classification: Uncertain significance. Last evaluated: 2024-08-15. Review status: criteria provided, single submitter. Criteria: ACMG Guidelines, 2015. Collection method: clinical testing. Allele origin: germline. Observed: 1 variant allele.
Comment: BP4, PM2